The following is an entry in ClinVar:

NM_000038.6(APC):c.697_698del (p.Gln233fs)

Gene: APC (APC regulator of Wnt signaling pathway; plus strand). Cytogenetic location: 5q22.2.
Variant type: Deletion.
Coding change: c.697_698del on transcript NM_000038.6 (MANE Select); coding-DNA positions 697 to 698, 2 bases deleted (CA; older notation c.697_698delCA).
Protein change: p.Gln233fs; shifts the reading frame from glutamine 233.
Molecular consequence: frameshift variant. On other transcripts: 5 prime UTR variant (1), intron variant (2).
Genome position (GRCh38, 1-based): chr5:112,792,497-112,792,498, CA deleted; deleting any 2 consecutive bases within chr5:112,792,496-112,792,498 gives the same sequence; the c. name uses the placement nearest the transcript's 3' end. VCF-style (leftmost placement, unchanged base first): chr5-112792495-GAC-G. GRCh37 (hg19) VCF-style: chr5-112128192-GAC-G.
Other names: c.697_698del, p.Gln233fs (NM_001127510.3, NM_001354895.2, NM_001354896.2 and 1 more transcripts); c.727_728del, p.Gln243fs (NM_001354897.2, NM_001354902.2); c.622_623del, p.Gln208fs (NM_001354898.2, NM_001354904.2); c.520_521del, p.Gln174fs (NM_001354900.2, NM_001354901.2, NM_001354905.2); c.-339_-338del (NM_001354906.2); c.727_728delCA, p.Gln243Alafs (NM_001407446.1); c.697_698delCA, p.Gln233Alafs (NM_001407447.1, NM_001407448.1, NM_001407449.1 and 8 more transcripts); c.622_623delCA, p.Gln208Alafs (NM_001407451.1); and 4 more; short protein forms Q174fs, Q243fs, Q233fs, Q208fs.
Identifiers: ClinVar variation 1756385 (VCV001756385.2), dbSNP rs2532633434, ClinGen allele CA2580072271.
Genomic context (GRCh38, chr5:112,792,495, plus strand): 5'-TTTTATTTTAGCGAAGAATAGCCAGAATTCAGCAAATCGAAAAGGACATACTTCGTATAC[GAC>G]AGCTTTTACAGTCCCAAGCAACAGAAGCAGAGGTTAGTAAATTGCCTTTCTTGTTTGTGG-3'

ClinVar aggregate classification (germline): Pathogenic (1 of 4 stars; one submission).

Conditions:
Hereditary cancer-predisposing syndrome. Also called: Neoplastic Syndromes, Hereditary; Tumor predisposition; Hereditary Cancer Syndrome; Hereditary neoplastic syndrome. Identifiers: Orphanet 140162, MedGen C0027672, MeSH D009386, MONDO:0015356.

Submission:

Ambry Genetics
Classification: Pathogenic for Hereditary cancer-predisposing syndrome. Last evaluated: 2019-01-11. Review status: criteria provided, single submitter. Criteria: Ambry Variant Classification Scheme 2023. Collection method: clinical testing. Allele origin: germline.
Comment: The c.697_698delCA pathogenic mutation, located in coding exon 6 of the APC gene, results from a deletion of two nucleotides at nucleotide positions 697 to 698, causing a translational frameshift with a predicted alternate stop codon (p.Q233Afs*18). This alteration is expected to result in loss of function by premature protein truncation or nonsense-mediated mRNA decay. As such, this alteration is interpreted as a disease-causing mutation.